The following is an entry in ClinVar:

NM_025114.4(CEP290):c.4320A>T (p.Gly1440=)

Gene: CEP290 (centrosomal protein 290; minus strand). Cytogenetic location: 12q21.32.
Variant type: single nucleotide variant.
Coding change: c.4320A>T on transcript NM_025114.4 (MANE Select); coding-DNA position 4320, A replaced by T.
Protein change: p.Gly1440=; no amino-acid change (glycine 1440 retained).
Molecular consequence: synonymous variant.
Genome position (GRCh38, 1-based): chr12:88,086,156, T>A on the plus strand (A>T on the coding strand, the complement: CEP290 is on the minus strand). VCF-style: chr12-88086156-T-A. GRCh37 (hg19) VCF-style: chr12-88479933-T-A.
Identifiers: ClinVar variation 862736 (VCV000862736.12), dbSNP rs372184970, ClinGen allele CA6711966.
Genomic context (GRCh38, chr12:88,086,156, plus strand): 5'-AATTTTCCTTAGAGCGATCTCAAGTTGATTTGGAAGGGGCAAACTAGGGTCAGGGATTGA[T>A]CCTGTAGCTTCTTCAAACTATTAAGAAATAGTATGTTTTTTAAAAAAGCAGTTGCAGCAT-3'
Protein context (NP_079390.3, residues 1430-1450): NAAQKFEEAT[Gly1440=]SIPDPSLPLP

ClinVar aggregate classification (germline): Likely benign. Review status: criteria provided, multiple submitters, no conflicts (2 of 4 stars). 3 submissions from 3 submitters: Likely benign (2). 1 of the submissions does not count toward it. Last evaluated 2025-10-10.

Conditions:
Leber congenital amaurosis (LCA). Also called: Leber's amaurosis. Identifiers: Orphanet 65, MedGen C0339527, MeSH D057130, MONDO:0018998.
CEP290-related disorder. Also called: CEP290-related condition; CEP290-related disorders. Identifiers: MedGen CN239314.
Nephronophthisis. Also called: Juvenile Nephronophthisis. Identifiers: Orphanet 655, MedGen C0687120, MONDO:0019005, HP:0000090.
Meckel-Gruber syndrome. Also called: GRUBER SYNDROME; DYSENCEPHALIA SPLANCHNOCYSTICA; Dysencephalia splachnocystica. Identifiers: Orphanet 564, MedGen C0265215, MONDO:0018921.
Joubert syndrome. Also called: Familial aplasia of the vermis; JOUBERT-BOLTSHAUSER SYNDROME. Identifiers: Orphanet 475, MedGen C5979921, MONDO:0018772.

Allele frequency attached by ClinVar (database versions not stated): gnomAD exomes below 0.00001; ExAC 0.00001; gnomAD 0.00001; TOPMed 0.00001; ESP Exome Variant Server 0.00008.
gnomAD v4.1: 2 of 1,610,598 alleles (0.00012%); highest among the groups gnomAD compares: African/African-American, 0.0027%; no homozygotes.

Submissions (3):

PreventionGenetics, part of Exact Sciences
Classification: Likely benign for CEP290-related condition. Last evaluated: 2025-10-10. Review status: criteria provided, single submitter. Criteria: ACMG Guidelines, 2015. Collection method: clinical testing. Allele origin: germline.
Comment: This variant is classified as likely benign based on ACMG/AMP sequence variant interpretation guidelines (Richards et al. 2015 PMID: 25741868, with internal and published modifications).

Labcorp Genetics (formerly Invitae), Labcorp
Classification: Likely benign for Joubert syndrome; Meckel-Gruber syndrome; Nephronophthisis. Last evaluated: 2025-04-28. Review status: criteria provided, single submitter. Criteria: Invitae Variant Classification Sherloc (09022015). Collection method: clinical testing. Allele origin: germline.

Natera, Inc.
Classification: Uncertain significance for Leber congenital amaurosis. Last evaluated: 2021-02-19. Review status: no assertion criteria provided. Collection method: clinical testing. Allele origin: germline. Not counted in ClinVar's aggregate classification.